The following is an entry in ClinVar:

ClinVar aggregate classification (germline): Uncertain significance (1 of 4 stars; one submission).

Conditions:
Focal segmental glomerulosclerosis 2 (FSGS2). Identifiers: Orphanet 656, MedGen C1858915, MONDO:0011390, OMIM 603965.

Submission:

Baylor Genetics
Classification: Uncertain significance for Focal segmental glomerulosclerosis 2. Last evaluated: 2019-11-07. Review status: criteria provided, single submitter. Criteria: ACMG Guidelines, 2015. Collection method: clinical testing. Allele origin: unknown. Affected: yes.
Comment: This variant was determined to be of uncertain significance according to ACMG Guidelines, 2015 [PMID:25741868].

NM_004621.6(TRPC6):c.1513A>G (p.Met505Val)

Gene: TRPC6 (transient receptor potential cation channel subfamily C member 6; minus strand). Cytogenetic location: 11q22.1.
Variant type: single nucleotide variant.
Coding change: c.1513A>G on transcript NM_004621.6 (MANE Select); coding-DNA position 1513, A replaced by G.
Protein change: p.Met505Val; replaces methionine 505 with valine.
Molecular consequence: missense variant.
Genome position (GRCh38, 1-based): chr11:101,476,532, T>C on the plus strand (A>G on the coding strand, the complement: TRPC6 is on the minus strand). VCF-style: chr11-101476532-T-C. GRCh37 (hg19) VCF-style: chr11-101347263-T-C.
Other names: short protein forms M505V.
Identifiers: ClinVar variation 1028285 (VCV001028285.1), dbSNP rs1859421755, ClinGen allele CA382441106.